The following is an entry in ClinVar:

NM_024301.5(FKRP):c.899T>C (p.Val300Ala)

Gene: FKRP (fukutin related protein; plus strand). Cytogenetic location: 19q13.32.
Variant type: single nucleotide variant.
Coding change: c.899T>C on transcript NM_024301.5 (MANE Select); coding-DNA position 899, T replaced by C.
Protein change: p.Val300Ala; replaces valine 300 with alanine.
Molecular consequence: missense variant.
Genome position (GRCh38, 1-based): chr19:46,756,349, T>C. VCF-style: chr19-46756349-T-C. GRCh37 (hg19) VCF-style: chr19-47259606-T-C.
Other names: c.899T>C, p.Val300Ala (NM_001039885.3); short protein forms V300A.
Identifiers: ClinVar variation 4232 (VCV000004232.73), dbSNP rs104894691, ClinGen allele CA116722.

ClinVar aggregate classification (germline): Pathogenic/Likely pathogenic. Review status: criteria provided, multiple submitters, no conflicts (2 of 4 stars). 15 submissions from 15 submitters: Pathogenic (10); Likely pathogenic (3). 2 of the submissions do not count toward it. Last evaluated 2026-03-11.

Conditions:
Cardiovascular phenotype. Identifiers: MedGen CN230736.
Walker-Warburg congenital muscular dystrophy. Also called: Muscular dystrophy-dystroglycanopathy, type A; Walker-Warburg syndrome. Identifiers: Orphanet 899, MedGen C0265221, MONDO:0000171.
FKRP-related disorder. Also called: FKRP-related condition.
Autosomal recessive limb-girdle muscular dystrophy. Identifiers: Orphanet 102015, MedGen C2931907, MONDO:0015152.
Muscular dystrophy-dystroglycanopathy (congenital with brain and eye anomalies), type A5. Also called: WALKER-WARBURG SYNDROME OR MUSCLE-EYE-BRAIN DISEASE, FKRP-RELATED; MUSCULAR DYSTROPHY-DYSTROGLYCANOPATHY (CONGENITAL WITH BRAIN AND EYE ANOMALIES), TYPE A, 5. Identifiers: Orphanet 588, Orphanet 899, MedGen C3150413, MONDO:0013157, OMIM 613153.
Muscular dystrophy-dystroglycanopathy type B5 (MDDGB5). Also called: MUSCULAR DYSTROPHY-DYSTROGLYCANOPATHY (CONGENITAL WITH OR WITHOUT IMPAIRED INTELLECTUAL DEVELOPMENT), TYPE B, 5; MUSCULAR DYSTROPHY, CONGENITAL, 1C; MUSCULAR DYSTROPHY, CONGENITAL, FKRP-RELATED. Identifiers: MedGen C1847759, MONDO:0011688, OMIM 606612.
Autosomal recessive limb-girdle muscular dystrophy type 2I. Also called: MUSCULAR DYSTROPHY-DYSTROGLYCANOPATHY (LIMB-GIRDLE), TYPE C, 5; MUSCULAR DYSTROPHY, LIMB-GIRDLE, TYPE 2I; MUSCULAR DYSTROPHY-DYSTROGLYCANOPATHY, LIMB-GIRDLE, FRKP-RELATED. Identifiers: Orphanet 34515, MedGen C1846672, MONDO:0011787, OMIM 607155.
Muscular dystrophy-dystroglycanopathy (congenital with brain and eye anomalies), type A1 (MDDGA1). Also called: WALKER-WARBURG SYNDROME OR MUSCLE-EYE-BRAIN DISEASE, POMT1-RELATED; Hydrocephalus, agyria and retinal dysplasia; Hard +/- E syndrome; Warburg syndrome; Chemke syndrome; Pagon syndrome. Identifiers: Orphanet 588, Orphanet 899, MedGen C4284790, MONDO:0009364, OMIM 236670.

Allele frequency attached by ClinVar (database versions not stated): gnomAD exomes 0.00001 and 0.00003; gnomAD 0.00004 and 0.00005; TOPMed 0.00006.

Submissions (15):

PreventionGenetics, part of Exact Sciences
Classification: Pathogenic for FKRP-related condition. Last evaluated: 2026-03-11. Review status: criteria provided, single submitter. Criteria: ACMG Guidelines, 2015. Collection method: clinical testing. Allele origin: germline.
Comment: The FKRP c.899T>C variant is predicted to result in the amino acid substitution p.Val300Ala. This variant has been reported in the homozygous or compound heterozygous state in multiple individuals with limb-girdle muscular dystrophy (de Paula et al. 2003. PubMed ID: 14647208; Walter et al. 2004. PubMed ID: 15060126; Stensland et al. 2010. PubMed ID: 20961759). In vitro analysis has shown this variant affects protein function (Henriques et al. 2019. PubMed ID: 31268217). This variant is reported in 0.0038% of alleles in individuals of Latino descent in gnomAD. An alternate missense change at the same amino acid position (p.Val300Met) has also been reported in individuals with limb-girdle muscular dystrophy (de Paula et al. 2003. PMID: 14647208; Table S3, Trujillano et al. 2016. PubMed ID: 27848944; Table S7, Nallamilli et al. 2018. PubMed ID: 30564623). This variant is interpreted as pathogenic.

Labcorp Genetics (formerly Invitae), Labcorp
Classification: Pathogenic for Walker-Warburg congenital muscular dystrophy. Last evaluated: 2025-11-19. Review status: criteria provided, single submitter. Criteria: Invitae Variant Classification Sherloc (09022015). Collection method: clinical testing. Allele origin: germline.
Comment: This sequence change replaces valine, which is neutral and non-polar, with alanine, which is neutral and non-polar, at codon 300 of the FKRP protein (p.Val300Ala). This variant is not present in population databases (gnomAD no frequency). This missense change has been observed in individual(s) with limb-girdle muscular dystrophy (PMID: 14647208, 15060126, 24447024). In at least one individual the data is consistent with being in trans (on the opposite chromosome) from a pathogenic variant. ClinVar contains an entry for this variant (Variation ID: 4232). Invitae Evidence Modeling of protein sequence and biophysical properties (such as structural, functional, and spatial information, amino acid conservation, physicochemical variation, residue mobility, and thermodynamic stability) indicates that this missense variant is expected to disrupt FKRP protein function with a positive predictive value of 95%. This variant disrupts the p.Val300 amino acid residue in FKRP. Other variant(s) that disrupt this residue have been determined to be pathogenic (PMID: 14647208, 27848944; internal data). This suggests that this residue is clinically significant, and that variants that disrupt this residue are likely to be disease-causing. For these reasons, this variant has been classified as Pathogenic.

Natera, Inc.
Classification: Pathogenic for Limb-girdle muscular dystrophy type 2I. Last evaluated: 2025-11-14. Review status: criteria provided, single submitter. Criteria: Natera Variant Classification Schema (03/2026). Collection method: clinical testing. Allele origin: germline.
Comment: The c.899T>C variant in FKRP is a missense variant predicted to cause substitution of valine to alanine at amino acid 300. This variant is rare in the general population with a frequency below the threshold expected for the associated phenotype(s). This variant has been observed in one or more individuals affected with the associated recessive disease, as either homozygous or compound heterozygous with a second variant (PMID: 14647208, 15060126, 20961759). Computational prediction algorithms indicate this variant is likely to affect gene or protein function. Given the available evidence, this variant is classified as Pathogenic.

Ambry Genetics
Classification: Pathogenic for Cardiovascular phenotype. Last evaluated: 2025-11-04. Review status: criteria provided, single submitter. Criteria: Ambry Variant Classification Scheme 2023. Collection method: clinical testing. Allele origin: germline.
Comment: The p.V300A pathogenic mutation (also known as c.899T>C), located in coding exon 1 of the FKRP gene, results from a T to C substitution at nucleotide position 899. The valine at codon 300 is replaced by alanine, an amino acid with similar properties. This variant has been identified in the homozygous state and/or in conjunction with other FKRP variant(s) in individual(s) with features consistent with muscular dystrophy phenotypes (de Paula F et al. Eur J Hum Genet, 2003 Dec;11:923-30; Walter MC et al. J Med Genet, 2004 Apr;41:e50; Stensland E et al. Neuromuscul Disord, 2011 Jan;21:41-6). Other variant(s) at the same codon, p.V300M (c.898G>A), have been identified in individual(s) with features consistent with muscular dystrophy phenotypes (de Paula F et al. Eur. J. Hum. Genet., 2003 Dec;11:923-30; Frosk P et al. Hum. Mutat., 2005 Jan;25:38-44; Nallamilli BRR et al. Ann Clin Transl Neurol, 2018 Dec;5:1574-1587; external communication). An in vitro assay showed this alteration may impact protein function (Henriques SF et al. Hum Mutat, 2019 10;40:1874-1885). This variant is considered to be rare based on population cohorts in the Genome Aggregation Database (gnomAD). This amino acid position is highly conserved in available vertebrate species. In addition, this alteration is predicted to be deleterious by in silico analysis. Based on the supporting evidence, this variant is interpreted as a disease-causing mutation.

Fulgent Genetics
Classification: Likely pathogenic for Muscular dystrophy-dystroglycanopathy type B5; Autosomal recessive limb-girdle muscular dystrophy type 2I; Muscular dystrophy-dystroglycanopathy (congenital with brain and eye anomalies), type A5. Last evaluated: 2024-06-24. Review status: criteria provided, single submitter. Criteria: ACMG Guidelines, 2015. Collection method: clinical testing. Allele origin: germline.

Baylor Genetics
Classification: Pathogenic for Muscular dystrophy-dystroglycanopathy (congenital with brain and eye anomalies), type A5. Last evaluated: 2024-03-19. Review status: criteria provided, single submitter. Criteria: ACMG Guidelines, 2015. Collection method: clinical testing. Allele origin: unknown.

Laboratory of Medical Genetics, National & Kapodistrian University of Athens
Classification: Pathogenic for Autosomal recessive limb-girdle muscular dystrophy type 2I. Last evaluated: 2024-02-01. Review status: criteria provided, single submitter. Criteria: ACMG Guidelines, 2015. Collection method: curation. Allele origin: germline. Affected: no.

Women's Health and Genetics/Laboratory Corporation of America, LabCorp
Classification: Pathogenic for Autosomal recessive limb-girdle muscular dystrophy. Last evaluated: 2023-02-25. Review status: criteria provided, single submitter. Criteria: LabCorp Variant Classification Summary - May 2015. Collection method: clinical testing. Allele origin: germline.
Comment: Variant summary: FKRP c.899T>C (p.Val300Ala) results in a non-conservative amino acid change in the encoded protein sequence. Five of five in-silico tools predict a damaging effect of the variant on protein function. The variant allele was found at a frequency of 6.4e-06 in 155278 control chromosomes (gnomAD). c.899T>C has been reported in the literature as a biallelic genotype in multiple individuals affected with Limb-Girdle Muscular Dystrophy, Autosomal Recessive (e.g. de Paula_2003, Walter_2004, Stensland_2011). These data indicate that the variant is very likely to be associated with disease. When glycosylation activity levels were experimentally assessed, the variant performed similarly to a null mutant (Henriques_2019). Ten ClinVar submitters have assessed the variant since 2014: four classified the variant as likely pathogenic, and six as pathogenic. Based on the evidence outlined above, the variant was classified as pathogenic.

GeneDx
Classification: Pathogenic. Last evaluated: 2022-08-19. Review status: criteria provided, single submitter. Criteria: GeneDx Variant Classification Process June 2021. Collection method: clinical testing. Allele origin: germline. Affected: yes.
Comment: Not observed at significant frequency in large population cohorts (gnomAD); Missense variants in this gene are often considered pathogenic (HGMD); In silico analysis supports that this missense variant has a deleterious effect on protein structure/function; This variant is associated with the following publications: (PMID: 24447024, 15060126, 20961759, 31268217, 31589614, 27439679, 14647208, 18645206)

Dasa
Classification: Pathogenic for Muscular dystrophy-dystroglycanopathy (congenital with brain and eye anomalies), type A1. Last evaluated: 2022-01-05. Review status: criteria provided, single submitter. Criteria: ACMG Guidelines, 2015. Collection method: clinical testing. Allele origin: germline. Affected: yes. Observed: 1 variant allele.
Comment: The c.899T>C;p.(Val300Ala) missense variant has been observed in affected individual(s) and ClinVar contains an entry for this variant (ClinVar ID: 4232; PMID: 14647208; 15060126; 18645206;20961759; 24447024) - PS4.This variant is not present in population databases (rs104894691, gnomAD; ABraOM no frequency) - PM2. The p.(Val300Ala) was detected in trans with a pathogenic variant (PMID: 24447024; 15060126; 14647208) - PM3_strong. Multiple lines of computational evidence support a deleterious effect on the gene or gene product - PP3. In summary, the currently available evidence indicates that the variant is pathogenic.

Revvity Omics, Revvity
Classification: Likely pathogenic. Last evaluated: 2020-10-02. Review status: criteria provided, single submitter. Criteria: ACMG Guidelines, 2015. Collection method: clinical testing. Allele origin: germline.

CeGaT Center for Human Genetics Tuebingen
Classification: Pathogenic. Last evaluated: 2019-03-01. Review status: criteria provided, single submitter. Criteria: CeGaT Center For Human Genetics Tuebingen Variant Classification Criteria Version 2. Collection method: clinical testing. Allele origin: germline. Affected: yes. Observed: 1 variant allele.

Eurofins Ntd Llc (ga)
Classification: Likely pathogenic. Last evaluated: 2018-05-11. Review status: criteria provided, single submitter. Criteria: EGL ClinVar v180209 classification definitions. Collection method: clinical testing. Allele origin: germline. Observed: 2 variant alleles, 1 heterozygote, 1 homozygote.

Counsyl
Classification: Likely pathogenic for Autosomal recessive limb-girdle muscular dystrophy type 2I. Last evaluated: 2017-12-12. Review status: no assertion criteria provided. Collection method: clinical testing. Allele origin: unknown. Not counted in ClinVar's aggregate classification.

OMIM
Classification: Pathogenic for MUSCULAR DYSTROPHY-DYSTROGLYCANOPATHY (LIMB-GIRDLE), TYPE C, 5. Last evaluated: 2003-12-01. Review status: no assertion criteria provided. Collection method: literature only. Allele origin: germline. Not counted in ClinVar's aggregate classification.

Literature cited by the submitters: PubMed 14647208 (cited by 8 submitters); PubMed 15060126 (cited by 7 submitters); PubMed 24447024 (cited by 3 submitters); PubMed 27848944 (cited by Labcorp Genetics (formerly Invitae), Labcorp); PubMed 20961759 (cited by 6 submitters); PubMed 31268217 (cited by Ambry Genetics and Women's Health and Genetics/Laboratory Corporation of America, LabCorp); PubMed 18645206 (cited by Dasa); PubMed 27302555 (cited by Dasa).